The following is an entry in ClinVar:

ClinVar aggregate classification (germline): Conflicting classifications of pathogenicity. Review status: criteria provided, conflicting classifications (1 of 4 stars). 11 submissions from 11 submitters: Uncertain significance (2); Benign (1); Likely benign (5). 3 of the submissions do not count toward it. Last evaluated 2026-08-01.

Conditions:
FLCN-related disorder. Also called: FLCN-related condition.
Hereditary cancer-predisposing syndrome. Also called: Neoplastic Syndromes, Hereditary; Hereditary neoplastic syndrome; Hereditary Cancer Syndrome; Tumor predisposition. Identifiers: Orphanet 140162, MedGen C0027672, MeSH D009386, MONDO:0015356.
Birt-Hogg-Dube syndrome. Also called: Birt Hogg Dubé syndrome. Identifiers: Orphanet 122, MedGen C0346010, MONDO:0800444.

Allele frequency attached by ClinVar (database versions not stated): TOPMed 0.00086; 1000 Genomes Project 0.00080; 1000 Genomes Project 30x 0.00094; ESP Exome Variant Server 0.00046; gnomAD 0.00058 and 0.00059.

Submissions (11):

CeGaT Center for Human Genetics Tuebingen
Classification: Likely benign. Last evaluated: 2026-08-01. Review status: criteria provided, single submitter. Criteria: CeGaT Center For Human Genetics Tuebingen Variant Classification Criteria Version 2. Collection method: clinical testing. Allele origin: germline. Affected: yes. Observed: 13 variant alleles.
Comment: FLCN: BS1

Center for Genomic Medicine, Rigshospitalet, Copenhagen University Hospital
Classification: Likely benign. Last evaluated: 2025-03-04. Review status: criteria provided, single submitter. Criteria: ACMG Guidelines, 2015. Collection method: clinical testing. Allele origin: germline.

Blueprint Genetics
Classification: Likely benign. Last evaluated: 2024-11-15. Review status: criteria provided, single submitter. Criteria: ACMG Guidelines, 2015. Collection method: clinical testing. Allele origin: germline.

Labcorp Genetics (formerly Invitae), Labcorp
Classification: Benign for Birt-Hogg-Dube syndrome. Last evaluated: 2024-11-05. Review status: criteria provided, single submitter. Criteria: Invitae Variant Classification Sherloc (09022015). Collection method: clinical testing. Allele origin: germline.

Institute for Clinical Genetics, University Hospital TU Dresden, University Hospital TU Dresden
Classification: Uncertain significance. Last evaluated: 2021-11-03. Review status: criteria provided, single submitter. Criteria: ACMG Guidelines, 2015. Collection method: clinical testing. Allele origin: germline.

Sema4
Classification: Uncertain significance for Hereditary cancer-predisposing syndrome. Last evaluated: 2021-08-28. Review status: criteria provided, single submitter. Criteria: Sema4 Curation Guidelines. Collection method: curation. Allele origin: germline.
Comment: The FLCN c.871+47G>A variant has been reported in at least 2 individuals with renal cell carcinoma and malignant cutaneous melanoma (PMID 34067022), and in an individual from a population selected for atherosclerosis phenotypes, but not for personal or family histories of cancer (PMID 22703879). This variant is also reported in literature as a stop-loss variant c.918G>A (p.W306*) in the isoform 2 of FLCN gene (transcript NM_144606) in 3 individuals with Birt-Hogg-Dube syndrome, stomach adenocarcinoma, and colorectal cancer (PMIDs 26046366, 26689913, 28944238), and in individual from an ancestrally-diverse healthy population (PMID 24728327). However, the function of FLCN isoform 2 has not been investigated, and the clinical significance of its loss of function is unknown (PMID: 28970150). This variant was observed in 101/128944 chromosomes in the Non-Finnish European population, according to the Genome Aggregation Database (PMID: 32461654). This variant has been reported in ClinVar (Variation ID 41862). The overall evidence is insufficient to meet ACMG/AMP criteria for classifying it as benign or pathogenic. In summary, the clinical significance of this variant is currently uncertain.

Mendelics
Classification: Likely benign for Birt-Hogg-Dube syndrome 1. Last evaluated: 2019-05-28. Review status: criteria provided, single submitter. Criteria: Mendelics Assertion Criteria 2017. Collection method: clinical testing. Allele origin: unknown.

GeneDx
Classification: Likely benign. Last evaluated: 2018-02-13. Review status: criteria provided, single submitter. Criteria: GeneDx Variant Classification (06012015). Collection method: clinical testing. Allele origin: germline. Affected: yes.
Comment: This variant is considered likely benign or benign based on one or more of the following criteria: it is a conservative change, it occurs at a poorly conserved position in the protein, it is predicted to be benign by multiple in silico algorithms, and/or has population frequency not consistent with disease.

PreventionGenetics, part of Exact Sciences
Classification: Likely benign for FLCN-related condition. Last evaluated: 2020-06-19. Review status: no assertion criteria provided. Collection method: clinical testing. Allele origin: germline. Not counted in ClinVar's aggregate classification.
Comment: This variant is classified as likely benign based on ACMG/AMP sequence variant interpretation guidelines (Richards et al. 2015 PMID: 25741868, with internal and published modifications).

ITMI
No classification provided. Condition: AllHighlyPenetrant. Last evaluated: 2013-09-19. Review status: no classification provided. Collection method: reference population. Allele origin: germline. Not counted in ClinVar's aggregate classification.
Comment: Please see associated publication for description of ethnicities

Biesecker Lab/Clinical Genomics Section, National Institutes of Health
Classification: Uncertain significance. Last evaluated: 2012-07-13. Review status: no assertion criteria provided. Collection method: research. Allele origin: germline. Affected: no. Observed: 1 variant allele. Study: ClinSeq. Not counted in ClinVar's aggregate classification.
ClinVar note: Converted during submission from variant of unknown significance to Uncertain significance.

Literature cited by the submitters: PubMed 34067022 (cited by Sema4); PubMed 24728327 (cited by Sema4 and ITMI); PubMed 28970150 (cited by Sema4).

NM_144997.7(FLCN):c.871+47G>A

Gene: FLCN (folliculin; minus strand). Cytogenetic location: 17p11.2.
Variant type: single nucleotide variant.
Coding change: c.871+47G>A on transcript NM_144997.7 (MANE Select); 47 bases into the intron after coding-DNA position 871, G replaced by A.
Molecular consequence: intron variant. On other transcripts: nonsense (1).
Genome position (GRCh38, 1-based): chr17:17,221,490, C>T on the plus strand (G>A on the coding strand, the complement: FLCN is on the minus strand). VCF-style: chr17-17221490-C-T. GRCh37 (hg19) VCF-style: chr17-17124804-C-T.
Other names: c.871+47G>A (LRG_325t1, NM_001353231.2, NM_001353230.2); c.918G>A, p.Trp306Ter (NM_144606.7); c.925+47G>A (NM_001353229.2); c.918G>A (NM_144606.5); short protein forms W306*.
Identifiers: ClinVar variation 41862 (VCV000041862.60), dbSNP rs142934950, ClinGen allele CA159785.